The following is an entry in ClinVar:

NM_001370259.2(MEN1):c.55del (p.Val19fs)

Gene: MEN1 (menin 1; minus strand). Cytogenetic location: 11q13.1.
Variant type: Deletion.
Coding change: c.55del on transcript NM_001370259.2 (MANE Select); coding-DNA position 55, one base deleted (G; older notation c.55delG).
Protein change: p.Val19fs; shifts the reading frame from valine 19.
Molecular consequence: frameshift variant.
Genome position (GRCh38, 1-based): chr11:64,810,055, C deleted on the plus strand (G on the coding strand, the reverse complement: MEN1 is on the minus strand). VCF-style (leftmost placement, unchanged base first): chr11-64810054-AC-A. GRCh37 (hg19) VCF-style: chr11-64577526-AC-A.
Other names: c.55del, p.Val19fs (NM_000244.4, NM_001370251.2, NM_001370260.2 and 9 more transcripts); c.55delG (NM_130799.2); short protein forms V19fs.
Identifiers: ClinVar variation 201017 (VCV000201017.2), dbSNP rs794728655, ClinGen allele CA009473.

ClinVar aggregate classification (germline): Pathogenic (1 of 4 stars; one submission).

Submission:

GeneDx
Classification: Pathogenic. Last evaluated: 2010-05-11. Review status: criteria provided, single submitter. Criteria: GeneDx Variant Classification (06012015). Collection method: clinical testing. Allele origin: germline. Affected: yes.
Comment: The c.55delG mutation in the MEN1 gene causes a frameshift starting with codon Valine 19, changes this amino acid to a Tryptophan residue and creates a premature Stop codon at position 100 of the new reading frame, denoted p.Val19TrpfsX100. The normal sequence with the base that is deleted in braces is: CGAC{G}TGGT. This mutation is predicted to result in nonsense mediated mRNA decay or in premature protein truncation. While this mutation has not been reported previously in the literature, to our knowledge, its presence is consistent with a diagnosis of multiple endocrine neoplasia type 1. The variant is found in MEN1 panel(s).